The following is an entry in ClinVar:

NM_000235.4(LIPA):c.615C>T (p.Ser205=)

Gene: LIPA (lipase A, lysosomal acid type; minus strand). Cytogenetic location: 10q23.31.
Variant type: single nucleotide variant.
Coding change: c.615C>T on transcript NM_000235.4 (MANE Select); coding-DNA position 615, C replaced by T.
Protein change: p.Ser205=; no amino-acid change (serine 205 retained).
Molecular consequence: synonymous variant.
Genome position (GRCh38, 1-based): chr10:89,225,152, G>A on the plus strand (C>T on the coding strand, the complement: LIPA is on the minus strand). VCF-style: chr10-89225152-G-A. GRCh37 (hg19) VCF-style: chr10-90984909-G-A.
Other names: p.Ser205=; c.615C>T, p.Ser205= (NM_001127605.3); c.267C>T, p.Ser89= (NM_001288979.2).
Identifiers: ClinVar variation 301580 (VCV000301580.54), dbSNP rs143930279, ClinGen allele CA5593673.

ClinVar aggregate classification (germline): Conflicting classifications of pathogenicity. Review status: criteria provided, conflicting classifications (1 of 4 stars). 10 submissions from 10 submitters: Uncertain significance (3); Likely benign (6). 1 of the submissions does not count toward it. Last evaluated 2026-01-28.

Conditions:
Cardiovascular phenotype. Identifiers: MedGen CN230736.
Wolman disease (WOLD). Also called: LYSOSOMAL ACID LIPASE DEFICIENCY, ACUTE INFANTILE; LYSOSOMAL ACID LIPASE DEFICIENCY, COMPLETE; LIPA DEFICIENCY, COMPLETE; LAL DEFICIENCY, COMPLETE; CHOLESTEROL ESTER HYDROLASE DEFICIENCY, COMPLETE; Wolman disease with hypolipoproteinemia and acanthocytosis. Identifiers: Orphanet 75233, MedGen C0043208, MONDO:0019148, OMIM 620151.
Lysosomal acid lipase deficiency. Also called: Acid cholesteryl ester hydrolase deficiency, type 2. Identifiers: Orphanet 275761, MedGen C5574740, MONDO:0800449, MONDO:0010204.

Allele frequency attached by ClinVar (database versions not stated): TOPMed 0.00024; ESP Exome Variant Server 0.00046.
gnomAD v4.1: 325 of 1,614,004 alleles (0.02%); highest among the groups gnomAD compares: Non-Finnish European, 0.025%; no homozygotes.

Submissions (10):

Labcorp Genetics (formerly Invitae), Labcorp
Classification: Likely benign for Wolman disease. Last evaluated: 2026-01-28. Review status: criteria provided, single submitter. Criteria: Invitae Variant Classification Sherloc (09022015). Collection method: clinical testing. Allele origin: germline.

Mayo Clinic Laboratories, Mayo Clinic
Classification: Likely benign. Last evaluated: 2025-11-26. Review status: criteria provided, single submitter. Criteria: ACMG Guidelines, 2015. Collection method: clinical testing. Allele origin: germline. Observed: 1 variant allele.
Comment: BP4, BP7

CeGaT Center for Human Genetics Tuebingen
Classification: Likely benign. Last evaluated: 2025-11-01. Review status: criteria provided, single submitter. Criteria: CeGaT Center For Human Genetics Tuebingen Variant Classification Criteria Version 2. Collection method: clinical testing. Allele origin: germline. Affected: yes. Observed: 2 variant alleles.
Comment: LIPA: BP4, BP7

Blueprint Genetics
Classification: Likely benign. Last evaluated: 2024-08-08. Review status: criteria provided, single submitter. Criteria: ACMG Guidelines, 2015. Collection method: clinical testing. Allele origin: germline.

GENinCode PLC
Classification: Likely benign for Lysosomal acid lipase deficiency. Last evaluated: 2023-12-04. Review status: criteria provided, single submitter. Criteria: ACMG Guidelines, 2015. Collection method: clinical testing. Allele origin: germline.
Comment: This is a synonymous (silent) variant that is not predicted by SpliceAI to impact splicing. In addition, it occurs at a nucleotide that is not conserved. Therefore this variant has been classified as Likely Benign (BP4, BP7).

Genome-Nilou Lab
Classification: Uncertain significance for Cholesteryl ester storage disease. Last evaluated: 2021-05-18. Review status: criteria provided, single submitter. Criteria: ACMG Guidelines, 2015. Collection method: clinical testing. Allele origin: germline. Affected: no.

Ambry Genetics
Classification: Likely benign for Cardiovascular phenotype. Last evaluated: 2019-07-08. Review status: criteria provided, single submitter. Criteria: Ambry Variant Classification Scheme 2023. Collection method: clinical testing. Allele origin: germline.

Eurofins Ntd Llc (ga)
Classification: Uncertain significance. Last evaluated: 2018-06-28. Review status: criteria provided, single submitter. Criteria: EGL ClinVar v180209 classification definitions. Collection method: clinical testing. Allele origin: germline. Observed: 2 variant alleles, 2 heterozygotes.

Illumina Laboratory Services, Illumina
Classification: Uncertain significance for Cholesteryl ester storage disease. Last evaluated: 2018-01-13. Review status: criteria provided, single submitter. Criteria: ICSL Variant Classification Criteria 13 December 2019. Collection method: clinical testing. Allele origin: germline.

Natera, Inc.
Classification: Uncertain significance for Lysosomal acid lipase deficiency. Last evaluated: 2020-04-11. Review status: no assertion criteria provided. Collection method: clinical testing. Allele origin: germline. Not counted in ClinVar's aggregate classification.